The following is an entry in ClinVar:

ClinVar aggregate classification (germline): Uncertain significance (1 of 4 stars; one submission).

Submission:

Labcorp Genetics (formerly Invitae), Labcorp
Classification: Uncertain significance. Last evaluated: 2024-01-29. Review status: criteria provided, single submitter. Criteria: Invitae Variant Classification Sherloc (09022015). Collection method: clinical testing. Allele origin: germline.
Comment: This sequence change replaces leucine, which is neutral and non-polar, with serine, which is neutral and polar, at codon 768 of the CACNA1D protein (p.Leu768Ser). This variant is not present in population databases (gnomAD no frequency). This variant has not been reported in the literature in individuals affected with CACNA1D-related conditions. ClinVar contains an entry for this variant (Variation ID: 1993418). Advanced modeling of protein sequence and biophysical properties (such as structural, functional, and spatial information, amino acid conservation, physicochemical variation, residue mobility, and thermodynamic stability) performed at Invitae indicates that this missense variant is expected to disrupt CACNA1D protein function with a positive predictive value of 80%. In summary, the available evidence is currently insufficient to determine the role of this variant in disease. Therefore, it has been classified as a Variant of Uncertain Significance.

NM_001128840.3(CACNA1D):c.2243T>C (p.Leu748Ser)

Gene: CACNA1D (calcium voltage-gated channel subunit alpha1 D; plus strand). Cytogenetic location: 3p21.1.
Variant type: single nucleotide variant.
Coding change: c.2243T>C on transcript NM_001128840.3 (MANE Select); coding-DNA position 2243, T replaced by C.
Protein change: p.Leu748Ser; replaces leucine 748 with serine.
Molecular consequence: missense variant.
Genome position (GRCh38, 1-based): chr3:53,730,463, T>C. VCF-style: chr3-53730463-T-C. GRCh37 (hg19) VCF-style: chr3-53764490-T-C.
Other names: c.2303T>C, p.Leu768Ser (NM_000720.4); c.2243T>C, p.Leu748Ser (NM_001128839.3); short protein forms L748S, L768S.
Identifiers: ClinVar variation 1993418 (VCV001993418.4), dbSNP rs2473767578, ClinGen allele CA353240424.
Genomic context (GRCh38, chr3:53,730,463, plus strand): 5'-ATTTAGTAGTGTGTTGTGCCCTTAAAAAGTTGAAATTAGATATTCTACTGAATGTCTTCT[T>C]GGCCATCGCTGTAGACAATTTGGCTGATGCTGAAAGTCTGAACACTGCTCAGAAAGAAGA-3'
Protein context (NP_001122312.1, residues 738-758): CGNYILLNVF[Leu748Ser]AIAVDNLADA